The following is an entry in ClinVar:

ClinVar aggregate classification (germline): Uncertain significance (1 of 4 stars; one submission).

Conditions:
Primary ciliary dyskinesia. Also called: Ciliary dyskinesia. Identifiers: Orphanet 244, MedGen C0008780, MONDO:0016575, HP:0012265.

gnomAD v4.1: 3 of 1,596,424 alleles (0.00019%); highest among the groups gnomAD compares: Non-Finnish European, 0.00026%; no homozygotes.

Submission:

Labcorp Genetics (formerly Invitae), Labcorp
Classification: Uncertain significance for Primary ciliary dyskinesia. Last evaluated: 2025-09-22. Review status: criteria provided, single submitter. Criteria: Invitae Variant Classification Sherloc (09022015). Collection method: clinical testing. Allele origin: germline.
Comment: This sequence change replaces leucine, which is neutral and non-polar, with arginine, which is basic and polar, at codon 211 of the DNAH11 protein (p.Leu211Arg). This variant is not present in population databases (gnomAD no frequency). This variant has not been reported in the literature in individuals affected with DNAH11-related conditions. Invitae Evidence Modeling of protein sequence and biophysical properties (such as structural, functional, and spatial information, amino acid conservation, physicochemical variation, residue mobility, and thermodynamic stability) indicates that this missense variant is not expected to disrupt DNAH11 protein function with a negative predictive value of 95%. In summary, the available evidence is currently insufficient to determine the role of this variant in disease. Therefore, it has been classified as a Variant of Uncertain Significance.

NM_001277115.2(DNAH11):c.632T>G (p.Leu211Arg)

Gene: DNAH11 (dynein axonemal heavy chain 11; plus strand). Cytogenetic location: 7p15.3.
Variant type: single nucleotide variant.
Coding change: c.632T>G on transcript NM_001277115.2 (MANE Select); coding-DNA position 632, T replaced by G.
Protein change: p.Leu211Arg; replaces leucine 211 with arginine.
Molecular consequence: missense variant.
Genome position (GRCh38, 1-based): chr7:21,558,938, T>G. VCF-style: chr7-21558938-T-G. GRCh37 (hg19) VCF-style: chr7-21598556-T-G.
Other names: short protein forms L211R.
Identifiers: ClinVar variation 4706438 (VCV004706438.1).
Genomic context (GRCh38, chr7:21,558,938, plus strand): 5'-ACATAGAAGTCATGAAAAAGAAGATGTATATTTTTAGGGGCAAAATGTCTAGAAGAACTC[T>G]TCTACCAATTCCCACTGTTGCAGGAAAGATGGATCTGGATCAGAATTGTTCAGAGAACAA-3'
Protein context (NP_001264044.1, residues 201-221): IFRGKMSRRT[Leu211Arg]LPIPTVAGKM